The following is an entry in ClinVar:

ClinVar aggregate classification (germline): Uncertain significance (1 of 4 stars; one submission).

Allele frequency attached by ClinVar (database versions not stated): gnomAD exomes below 0.00001 and 0.00001; ExAC 0.00001; gnomAD 0.00001.
gnomAD v4.1: 9 of 1,612,228 alleles (0.00056%); highest among the groups gnomAD compares: African/African-American, 0.012%; no homozygotes.

Submission:

GeneDx
Classification: Uncertain significance. Last evaluated: 2019-12-23. Review status: criteria provided, single submitter. Criteria: GeneDx Variant Classification Process June 2021. Collection method: clinical testing. Allele origin: germline. Affected: yes.
Comment: Not observed at a significant frequency in large population cohorts (Lek et al., 2016); In silico analysis, which includes protein predictors and evolutionary conservation, supports a deleterious effect; Has not been previously published as pathogenic or benign to our knowledge

NM_031475.3(ESPN):c.2360C>T (p.Pro787Leu)

Gene: ESPN (espin; plus strand). Cytogenetic location: 1p36.31.
Variant type: single nucleotide variant.
Coding change: c.2360C>T on transcript NM_031475.3 (MANE Select); coding-DNA position 2360, C replaced by T.
Protein change: p.Pro787Leu; replaces proline 787 with leucine.
Molecular consequence: missense variant.
Genome position (GRCh38, 1-based): chr1:6,457,218, C>T. VCF-style: chr1-6457218-C-T. GRCh37 (hg19) VCF-style: chr1-6517278-C-T.
Other names: c.2270C>T, p.Pro757Leu (NM_001367473.1); c.2297C>T, p.Pro766Leu (NM_001367474.1); short protein forms P757L, P766L, P787L.
Identifiers: ClinVar variation 1311316 (VCV001311316.2), dbSNP rs764022369, ClinGen allele CA560464.
Genomic context (GRCh38, chr1:6,457,218, plus strand): 5'-CCTGAAGCTTTGTGGTTGTGTTTCAGGAGGAGGAGGAGGAGGCCCGGCTGGCCAGCATGC[C>T]CGCCTGGAGGCGGGACCTCCTGCGGAAGAAGCTGGAAGAAGAGAGGTGAGCTGGGGGTCA-3'
Protein context (NP_113663.2, residues 777-797): EEEEARLASM[Pro787Leu]AWRRDLLRKK